The following is an entry in ClinVar:

ClinVar aggregate classification (germline): Pathogenic (1 of 4 stars; one submission).

Conditions:
Fanconi anemia (FA). Also called: Fanconi's anemia. Identifiers: Orphanet 84, MedGen C0015625, MeSH D005199, MONDO:0019391.

Submission:

Labcorp Genetics (formerly Invitae), Labcorp
Classification: Pathogenic for Fanconi anemia. Last evaluated: 2020-11-26. Review status: criteria provided, single submitter. Criteria: Invitae Variant Classification Sherloc (09022015). Collection method: clinical testing. Allele origin: germline.
Comment: For these reasons, this variant has been classified as Pathogenic. This variant has not been reported in the literature in individuals with FANCB-related conditions. This variant is not present in population databases (ExAC no frequency). This sequence change creates a premature translational stop signal (p.Trp479*) in the FANCB gene. It is expected to result in an absent or disrupted protein product. Loss-of-function variants in FANCB are known to be pathogenic (PMID: 15502827, 23613520).

Literature cited by the submitters: PubMed 15502827; PubMed 23613520.

NM_001018113.3(FANCB):c.1437G>A (p.Trp479Ter)

Gene: FANCB (FA complementation group B; minus strand). Cytogenetic location: Xp22.2.
Variant type: single nucleotide variant.
Coding change: c.1437G>A on transcript NM_001018113.3 (MANE Select); coding-DNA position 1437, G replaced by A.
Protein change: p.Trp479Ter; replaces tryptophan 479 with a stop codon.
Molecular consequence: nonsense.
Genome position (GRCh38, 1-based): chrX:14,850,564, C>T on the plus strand (G>A on the coding strand, the complement: FANCB is on the minus strand). VCF-style: chrX-14850564-C-T. GRCh37 (hg19) VCF-style: chrX-14868686-C-T.
Other names: c.1437G>A, p.Trp479Ter (NM_001324162.2, NM_152633.4); short protein forms W479*.
Identifiers: ClinVar variation 1391114 (VCV001391114.6), dbSNP rs2147404831, ClinGen allele CA412442019.
Genomic context (GRCh38, chrX:14,850,564, plus strand): 5'-CAGCTTCAAAGAAGATGTAGTTTTCACTCCAACAACCAAGCTATCATCTATTACACGATA[C>T]CATATCTTCTCTACTAGCTGTTCTGAATCTTGAAAATTGTCTGATAACTTTTCATCTAAG-3'